The following is an entry in ClinVar:

ClinVar aggregate classification (germline): Uncertain significance (1 of 4 stars; one submission).

Submission:

Labcorp Genetics (formerly Invitae), Labcorp
Classification: Uncertain significance. Last evaluated: 2024-10-17. Review status: criteria provided, single submitter. Criteria: Invitae Variant Classification Sherloc (09022015). Collection method: clinical testing. Allele origin: germline.
Comment: This sequence change replaces threonine, which is neutral and polar, with methionine, which is neutral and non-polar, at codon 816 of the TCIRG1 protein (p.Thr816Met). This variant is present in population databases (rs778688282, gnomAD 0.03%). This variant has not been reported in the literature in individuals affected with TCIRG1-related conditions. ClinVar contains an entry for this variant (Variation ID: 1503199). Invitae Evidence Modeling of protein sequence and biophysical properties (such as structural, functional, and spatial information, amino acid conservation, physicochemical variation, residue mobility, and thermodynamic stability) indicates that this missense variant is not expected to disrupt TCIRG1 protein function with a negative predictive value of 80%. In summary, the available evidence is currently insufficient to determine the role of this variant in disease. Therefore, it has been classified as a Variant of Uncertain Significance.

NM_006019.4(TCIRG1):c.2447C>T (p.Thr816Met)

Gene: TCIRG1 (T cell immune regulator 1, ATPase H+ transporting V0 subunit a3; plus strand). Cytogenetic location: 11q13.2.
Variant type: single nucleotide variant.
Coding change: c.2447C>T on transcript NM_006019.4 (MANE Select); coding-DNA position 2447, C replaced by T.
Protein change: p.Thr816Met; replaces threonine 816 with methionine.
Molecular consequence: missense variant.
Genome position (GRCh38, 1-based): chr11:68,050,773, C>T. VCF-style: chr11-68050773-C-T. GRCh37 (hg19) VCF-style: chr11-67818240-C-T.
Other names: c.1553C>T, p.Thr518Met (NM_001351059.2); c.1799C>T, p.Thr600Met (NM_006053.4); short protein forms T600M, T816M, T518M.
Identifiers: ClinVar variation 1503199 (VCV001503199.5), dbSNP rs778688282, ClinGen allele CA6147548.
Genomic context (GRCh38, chr11:68,050,773, plus strand): 5'-CACCAACCCCTCTGCTTCTCACCCCCAGGGTGGAATTCCAGAACAAGTTCTACTCAGGCA[C>T]GGGCTACAAGCTGAGTCCCTTCACCTTCGCTGCCACAGATGACTAGGGCCCACTGCAGGT-3'
Protein context (NP_006010.2, residues 806-826): VEFQNKFYSG[Thr816Met]GYKLSPFTFA